The following is an entry in ClinVar:

NM_001365536.1(SCN9A):c.1372C>T (p.Leu458Phe)

Genes: SCN9A (sodium voltage-gated channel alpha subunit 9; minus strand), SCN1A-AS1 (SCN1A and SCN9A antisense RNA 1; plus strand). Cytogenetic location: 2q24.3.
Variant type: single nucleotide variant.
Coding change: c.1372C>T on transcript NM_001365536.1 (MANE Select); coding-DNA position 1372, C replaced by T.
Protein change: p.Leu458Phe; replaces leucine 458 with phenylalanine.
Molecular consequence: missense variant.
Genome position (GRCh38, 1-based): chr2:166,286,566, G>A on the plus strand (C>T on the coding strand, the complement: SCN9A is on the minus strand). VCF-style: chr2-166286566-G-A. GRCh37 (hg19) VCF-style: chr2-167143076-G-A.
Other names: c.1372C>T, p.Leu458Phe (NM_002977.4); short protein forms L458F.
Identifiers: ClinVar variation 1379736 (VCV001379736.6), dbSNP rs753822039, ClinGen allele CA349084888.

ClinVar aggregate classification (germline): Uncertain significance (1 of 4 stars; one submission).

Conditions:
Generalized epilepsy with febrile seizures plus, type 7 (GEFSP7). Also called: GEFS+, TYPE 7. Identifiers: Orphanet 36387, MedGen C2751778, MONDO:0013470, OMIM 613863.
Neuropathy, hereditary sensory and autonomic, type 2A (HSAN2A). Also called: NEUROPATHY, CONGENITAL SENSORY; NEUROPATHY, HEREDITARY SENSORY RADICULAR, AUTOSOMAL RECESSIVE; NEUROPATHY, HEREDITARY SENSORY, TYPE IIA; NEUROPATHY, PROGRESSIVE SENSORY, OF CHILDREN; HSAN IIA; MORVAN DISEASE. Identifiers: Orphanet 970, MedGen C2752089, MONDO:0024309, OMIM 201300.

gnomAD v4.1: 1 of 1,602,158 alleles (0.000062%); highest among the groups gnomAD compares: Non-Finnish European, 0.000085%; no homozygotes.

Submission:

Labcorp Genetics (formerly Invitae), Labcorp
Classification: Uncertain significance for Neuropathy, hereditary sensory and autonomic, type 2A; Generalized epilepsy with febrile seizures plus, type 7. Last evaluated: 2021-11-13. Review status: criteria provided, single submitter. Criteria: Invitae Variant Classification Sherloc (09022015). Collection method: clinical testing. Allele origin: germline.
Comment: In summary, the available evidence is currently insufficient to determine the role of this variant in disease. Therefore, it has been classified as a Variant of Uncertain Significance. Algorithms developed to predict the effect of missense changes on protein structure and function output the following: SIFT: "Tolerated"; PolyPhen-2: "Benign"; Align-GVGD: "Class C0". The phenylalanine amino acid residue is found in multiple mammalian species, which suggests that this missense change does not adversely affect protein function. This variant has not been reported in the literature in individuals affected with SCN9A-related conditions. The frequency data for this variant in the population databases is considered unreliable, as metrics indicate poor data quality at this position in the gnomAD database. This sequence change replaces leucine, which is neutral and non-polar, with phenylalanine, which is neutral and non-polar, at codon 458 of the SCN9A protein (p.Leu458Phe).